The following is an entry in ClinVar:

ClinVar aggregate classification (germline): Uncertain significance. Review status: criteria provided, multiple submitters, no conflicts (2 of 4 stars). 2 submissions from 2 submitters: Uncertain significance (2). Last evaluated 2025-06-23.

Conditions:
Hereditary pancreatitis (PCTT). Also called: Hereditary chronic pancreatitis; PRSS1-Related Hereditary Pancreatitis. Identifiers: Orphanet 676, MedGen C0238339, MONDO:0008185, OMIM 167800.

Allele frequency attached by ClinVar (database versions not stated): ExAC 0.00001; gnomAD 0.00001; TOPMed 0.00002.
gnomAD v4.1: 52 of 1,614,050 alleles (0.0032%); highest among the groups gnomAD compares: Non-Finnish European, 0.0043%; no homozygotes.

Submissions (2):

Labcorp Genetics (formerly Invitae), Labcorp
Classification: Uncertain significance. Last evaluated: 2025-06-23. Review status: criteria provided, single submitter. Criteria: Invitae Variant Classification Sherloc (09022015). Collection method: clinical testing. Allele origin: germline.
Comment: This sequence change replaces isoleucine, which is neutral and non-polar, with methionine, which is neutral and non-polar, at codon 90 of the CPA1 protein (p.Ile90Met). This variant is present in population databases (rs782675997, gnomAD 0.004%). This variant has not been reported in the literature in individuals affected with CPA1-related conditions. ClinVar contains an entry for this variant (Variation ID: 1795038). Invitae Evidence Modeling of protein sequence and biophysical properties (such as structural, functional, and spatial information, amino acid conservation, physicochemical variation, residue mobility, and thermodynamic stability) indicates that this missense variant is not expected to disrupt CPA1 protein function with a negative predictive value of 80%. In summary, the available evidence is currently insufficient to determine the role of this variant in disease. Therefore, it has been classified as a Variant of Uncertain Significance.

Ambry Genetics
Classification: Uncertain significance for Hereditary pancreatitis. Last evaluated: 2024-07-24. Review status: criteria provided, single submitter. Criteria: Ambry Variant Classification Scheme 2023. Collection method: clinical testing. Allele origin: germline.
Comment: The p.I90M variant (also known as c.270C>G), located in coding exon 3 of the CPA1 gene, results from a C to G substitution at nucleotide position 270. The isoleucine at codon 90 is replaced by methionine, an amino acid with highly similar properties. This amino acid position is highly conserved in available vertebrate species. In addition, this alteration is predicted to be tolerated by in silico analysis. Since supporting evidence is limited at this time, the clinical significance of this alteration remains unclear.

NM_001868.4(CPA1):c.270C>G (p.Ile90Met)

Gene: CPA1 (carboxypeptidase A1; plus strand). Cytogenetic location: 7q32.2.
Variant type: single nucleotide variant.
Coding change: c.270C>G on transcript NM_001868.4 (MANE Select); coding-DNA position 270, C replaced by G.
Protein change: p.Ile90Met; replaces isoleucine 90 with methionine.
Molecular consequence: missense variant.
Genome position (GRCh38, 1-based): chr7:130,381,752, C>G. VCF-style: chr7-130381752-C-G. GRCh37 (hg19) VCF-style: chr7-130021593-C-G.
Other names: short protein forms I90M.
Identifiers: ClinVar variation 1795038 (VCV001795038.6), dbSNP rs782675997, ClinGen allele CA4484740.